The following is an entry in ClinVar:

NM_001854.4(COL11A1):c.3251G>A (p.Gly1084Asp)

Gene: COL11A1 (collagen type XI alpha 1 chain; minus strand). Cytogenetic location: 1p21.1.
Variant type: single nucleotide variant.
Coding change: c.3251G>A on transcript NM_001854.4 (MANE Select); coding-DNA position 3251, G replaced by A.
Protein change: p.Gly1084Asp; replaces glycine 1084 with aspartic acid.
Molecular consequence: missense variant. On other transcripts: non-coding transcript variant (1).
Genome position (GRCh38, 1-based): chr1:102,946,874, C>T on the plus strand (G>A on the coding strand, the complement: COL11A1 is on the minus strand). VCF-style: chr1-102946874-C-T. GRCh37 (hg19) VCF-style: chr1-103412430-C-T.
Other names: c.2903G>A, p.Gly968Asp (NM_001168249.1, NM_080630.4); c.3134G>A, p.Gly1045Asp (NM_001190709.2); c.3287G>A, p.Gly1096Asp (NM_080629.3); short protein forms G1045D, G1084D, G1096D, G968D.
Identifiers: ClinVar variation 2574859 (VCV002574859.4), dbSNP rs2524791148, ClinGen allele CA341170961.

ClinVar aggregate classification (germline): Uncertain significance. Review status: criteria provided, multiple submitters, no conflicts (2 of 4 stars). 3 submissions from 3 submitters: Uncertain significance (2). 1 of the submissions does not count toward it. Last evaluated 2025-07-21.

Conditions:
Retinal dystrophy. Also called: Inherited retinal dystrophy. Identifiers: Orphanet 71862, MedGen C0854723, MeSH D058499, MONDO:0019118, HP:0000556.
Inborn genetic diseases. Identifiers: MedGen C0950123, MeSH D030342.

Submissions (3):

Ambry Genetics
Classification: Uncertain significance for Inborn genetic diseases. Last evaluated: 2025-07-21. Review status: criteria provided, single submitter. Criteria: Ambry Variant Classification Scheme 2023. Collection method: clinical testing. Allele origin: germline.
Comment: The c.3251G>A (p.G1084D) alteration is located in exon 42 (coding exon 42) of the COL11A1 gene. This alteration results from a G to A substitution at nucleotide position 3251, causing the glycine (G) at amino acid position 1084 to be replaced by an aspartic acid (D). This variant was not reported in population-based cohorts in the Genome Aggregation Database (gnomAD). This amino acid position is highly conserved in available vertebrate species. This alteration is predicted to be deleterious by in silico analysis. Based on insufficient or conflicting evidence, the clinical significance of this alteration remains unclear.

GeneDx
Classification: Uncertain significance. Last evaluated: 2023-02-02. Review status: criteria provided, single submitter. Criteria: GeneDx Variant Classification Process June 2021. Collection method: clinical testing. Allele origin: germline. Affected: yes.
Comment: Not observed at significant frequency in large population cohorts (gnomAD); In silico analysis supports that this missense variant has a deleterious effect on protein structure/function; Has not been previously published as pathogenic or benign to our knowledge; This variant is associated with the following publications: (PMID: 25240749)

Institute of Human Genetics, Univ. Regensburg, Univ. Regensburg
Classification: Uncertain significance for Retinal dystrophy. Last evaluated: 2022-01-01. Review status: no assertion criteria provided. Criteria: ACMG Guidelines, 2015. Collection method: clinical testing. Allele origin: germline. Affected: yes. Not counted in ClinVar's aggregate classification.